The following is an entry in ClinVar:

NM_000057.4(BLM):c.2720C>T (p.Thr907Met)

Gene: BLM (BLM RecQ like helicase; plus strand). Cytogenetic location: 15q26.1.
Variant type: single nucleotide variant.
Coding change: c.2720C>T on transcript NM_000057.4 (MANE Select); coding-DNA position 2720, C replaced by T.
Protein change: p.Thr907Met; replaces threonine 907 with methionine.
Molecular consequence: missense variant.
Genome position (GRCh38, 1-based): chr15:90,784,978, C>T. VCF-style: chr15-90784978-C-T. GRCh37 (hg19) VCF-style: chr15-91328208-C-T.
Other names: p.T907M:ACG>ATG; c.2720C>T, p.Thr907Met (NM_001287246.2, NM_001287247.2); c.1595C>T, p.Thr532Met (NM_001287248.2); short protein forms T907M, T532M.
Identifiers: ClinVar variation 127492 (VCV000127492.27), dbSNP rs367953471, ClinGen allele CA287083.
Genomic context (GRCh38, chr15:90,784,978, plus strand): 5'-CAGATGATTCAGGGATAATTTACTGCCTCTCCAGGCGAGAATGTGACACCATGGCTGACA[C>T]GTTACAGAGAGATGGGCTCGCTGCTCTTGCTTACCATGCTGGCCTCAGTGATTCTGCCAG-3'
Protein context (NP_000048.1, residues 897-917): SRRECDTMAD[Thr907Met]LQRDGLAALA

ClinVar aggregate classification (germline): Uncertain significance. Review status: criteria provided, multiple submitters, no conflicts (2 of 4 stars). 10 submissions from 10 submitters: Uncertain significance (7). 3 of the submissions do not count toward it. Last evaluated 2025-02-24.

Conditions:
BLM-related disorder. Also called: BLM-related condition.
Hereditary cancer-predisposing syndrome. Also called: Hereditary Cancer Syndrome; Hereditary neoplastic syndrome; Tumor predisposition; Neoplastic Syndromes, Hereditary. Identifiers: Orphanet 140162, MedGen C0027672, MeSH D009386, MONDO:0015356.
Bloom syndrome (BLM). Also called: Bloom-Torre-Machacek syndrome. Identifiers: Orphanet 125, MedGen C0005859, MONDO:0008876, OMIM 210900.

Allele frequency attached by ClinVar (database versions not stated): ESP Exome Variant Server 0.00015; gnomAD 0.00009 and 0.00007; gnomAD exomes 0.00010; TOPMed 0.00010; ExAC 0.00014.
gnomAD v4.1: 149 of 1,614,002 alleles (0.0092%); highest among the groups gnomAD compares: South Asian, 0.024%; no homozygotes.

Submissions (10):

Quest Diagnostics Nichols Institute San Juan Capistrano
Classification: Uncertain significance. Last evaluated: 2025-02-24. Review status: criteria provided, single submitter. Criteria: Quest Diagnostics criteria. Collection method: clinical testing. Allele origin: unknown.
Comment: The BLM c.2720C>T (p.Thr907Met) variant has not been reported in the published literature in individuals with BLM-related conditions, but it has been identified in an individual with rhabdomyosarcoma (PMID: 33332384 (2020)). The frequency of this variant in the general population (Genome Aggregation Database) is uninformative in the assessment of its pathogenicity. Analysis of this variant using bioinformatics tools for the prediction of the effect of amino acid changes on protein structure and function yielded predictions that this variant is benign. Based on the available information, we are unable to determine the clinical significance of this variant.

Labcorp Genetics (formerly Invitae), Labcorp
Classification: Uncertain significance for Bloom syndrome. Last evaluated: 2025-01-28. Review status: criteria provided, single submitter. Criteria: Invitae Variant Classification Sherloc (09022015). Collection method: clinical testing. Allele origin: germline.
Comment: This sequence change replaces threonine, which is neutral and polar, with methionine, which is neutral and non-polar, at codon 907 of the BLM protein (p.Thr907Met). This variant is present in population databases (rs367953471, gnomAD 0.03%). This variant has not been reported in the literature in individuals affected with BLM-related conditions. ClinVar contains an entry for this variant (Variation ID: 127492). Invitae Evidence Modeling of protein sequence and biophysical properties (such as structural, functional, and spatial information, amino acid conservation, physicochemical variation, residue mobility, and thermodynamic stability) indicates that this missense variant is not expected to disrupt BLM protein function with a negative predictive value of 80%. In summary, the available evidence is currently insufficient to determine the role of this variant in disease. Therefore, it has been classified as a Variant of Uncertain Significance.

St. Jude Molecular Pathology, St. Jude Children's Research Hospital
Classification: Uncertain significance for Bloom syndrome. Last evaluated: 2023-03-13. Review status: criteria provided, single submitter. Criteria: St. Jude Assertion Criteria 2020. Collection method: clinical testing. Allele origin: germline.
Comment: The BLM c.2720C>T (p.Thr907Met) missense change has a maximum subpopulation frequency of 0.033% in gnomAD v2.1.1. The in silico tool REVEL predicts a benign effect on protein function, but to our knowledge this prediction has not been confirmed by functional studies. To our knowledge, this variant has not been reported in individuals with Bloom syndrome.  In summary, the evidence currently available is insufficient to determine the clinical significance of this variant. It has therefore been classified as of uncertain significance.

Ambry Genetics
Classification: Uncertain significance for Hereditary cancer-predisposing syndrome. Last evaluated: 2023-02-28. Review status: criteria provided, single submitter. Criteria: Ambry Variant Classification Scheme 2023. Collection method: clinical testing. Allele origin: germline.
Comment: The p.T907M variant (also known as c.2720C>T), located in coding exon 13 of the BLM gene, results from a C to T substitution at nucleotide position 2720. The threonine at codon 907 is replaced by methionine, an amino acid with similar properties. This alteration was identified in a patient diagnosed with rhabdomyosarcoma (Byrjalsen A et al. PLoS Genet, 2020 Dec;16:e1009231). This amino acid position is not well conserved in available vertebrate species. In addition, this alteration is predicted to be tolerated by in silico analysis. Since supporting evidence is limited at this time, the clinical significance of this alteration remains unclear.

GeneDx
Classification: Uncertain significance. Last evaluated: 2022-02-24. Review status: criteria provided, single submitter. Criteria: GeneDx Variant Classification Process June 2021. Collection method: clinical testing. Allele origin: germline. Affected: yes.
Comment: In silico analysis supports that this missense variant has a deleterious effect on protein structure/function; Has not been previously published as pathogenic or benign to our knowledge

Genetic Services Laboratory, University of Chicago
Classification: Uncertain significance. Last evaluated: 2020-12-01. Review status: criteria provided, single submitter. Criteria: ACMG Guidelines, 2015. Collection method: clinical testing. Allele origin: germline. Affected: no.
Comment: DNA sequence analysis of the BLM gene demonstrated a sequence change, c.2720C>T, in exon 14 that results in an amino acid change, p.Thr907Met. This sequence change does not appear to have been previously described in patients with BLM-related disorders and has been described in the gnomAD database with a low population frequency of 0.011% (dbSNP rs367953471). The p.Thr907Met change affects a poorly conserved amino acid residue located in a domain of the BLM protein that is known to be functional. In-silico pathogenicity prediction tools (SIFT, PolyPhen2, Align GVGD, REVEL) provide contradictory results for the p.Thr907Met substitution. Due to these contrasting evidences and the lack of functional studies, the clinical significance of the p.Thr907Met change remains unknown at this time.

Mendelics
Classification: Uncertain significance for Bloom syndrome. Last evaluated: 2018-07-02. Review status: criteria provided, single submitter. Criteria: Mendelics Assertion Criteria 2017. Collection method: clinical testing. Allele origin: unknown.

PreventionGenetics, part of Exact Sciences
Classification: Uncertain significance for BLM-related condition. Last evaluated: 2024-01-05. Review status: no assertion criteria provided. Collection method: clinical testing. Allele origin: germline. Not counted in ClinVar's aggregate classification.
Comment: The BLM c.2720C>T variant is predicted to result in the amino acid substitution p.Thr907Met. This variant has been reported with uncertain significance in the heterozygous state in an individual with rhabdomyosarcoma (S1 Data, Byrjalsen A et al. 2020 PubMed ID: 33332384). This variant is reported in 0.033% of alleles in individuals of South Asian descent in gnomAD. At this time, the clinical significance of this variant is uncertain due to the absence of conclusive functional and genetic evidence.

Natera, Inc.
Classification: Uncertain significance for Bloom syndrome. Last evaluated: 2020-09-16. Review status: no assertion criteria provided. Collection method: clinical testing. Allele origin: germline. Not counted in ClinVar's aggregate classification.

Counsyl
Classification: Uncertain significance for Bloom syndrome. Last evaluated: 2017-12-28. Review status: no assertion criteria provided. Collection method: clinical testing. Allele origin: unknown. Not counted in ClinVar's aggregate classification.

Literature cited by the submitters: PubMed 33332384 (cited by Quest Diagnostics Nichols Institute San Juan Capistrano and Ambry Genetics).